The following is an entry in ClinVar:

ClinVar aggregate classification (germline): Uncertain significance. Review status: criteria provided, multiple submitters, no conflicts (2 of 4 stars). 3 submissions from 3 submitters: Uncertain significance (3). Last evaluated 2024-11-10.

Conditions:
Hereditary cancer-predisposing syndrome. Also called: Neoplastic Syndromes, Hereditary; Tumor predisposition; Hereditary Cancer Syndrome; Hereditary neoplastic syndrome. Identifiers: Orphanet 140162, MedGen C0027672, MeSH D009386, MONDO:0015356.
Familial cancer of breast. Also called: hereditary breast carcinoma; BREAST CANCER, FAMILIAL; Hereditary breast cancer. Identifiers: Orphanet 227535, MedGen C0346153, MONDO:0016419, OMIM 114480. Disease mechanism: loss of function.

Submissions (3):

Ambry Genetics
Classification: Uncertain significance for Hereditary cancer-predisposing syndrome. Last evaluated: 2024-11-10. Review status: criteria provided, single submitter. Criteria: Ambry Variant Classification Scheme 2023. Collection method: clinical testing. Allele origin: germline.
Comment: The p.R244K variant (also known as c.731G>A), located in coding exon 4 of the PALB2 gene, results from a G to A substitution at nucleotide position 731. The arginine at codon 244 is replaced by lysine, an amino acid with highly similar properties. This amino acid position is conserved. In addition, this alteration is predicted to be tolerated by in silico analysis. Based on the available evidence, the clinical significance of this variant remains unclear.

Labcorp Genetics (formerly Invitae), Labcorp
Classification: Uncertain significance for Familial cancer of breast. Last evaluated: 2024-08-04. Review status: criteria provided, single submitter. Criteria: Invitae Variant Classification Sherloc (09022015). Collection method: clinical testing. Allele origin: germline.
Comment: This sequence change replaces arginine, which is basic and polar, with lysine, which is basic and polar, at codon 244 of the PALB2 protein (p.Arg244Lys). This variant is not present in population databases (gnomAD no frequency). This variant has not been reported in the literature in individuals affected with PALB2-related conditions. An algorithm developed to predict the effect of missense changes on protein structure and function outputs the following: PolyPhen-2: "Benign". The lysine amino acid residue is found in multiple mammalian species, which suggests that this missense change does not adversely affect protein function. In summary, the available evidence is currently insufficient to determine the role of this variant in disease. Therefore, it has been classified as a Variant of Uncertain Significance.

Quest Diagnostics Nichols Institute San Juan Capistrano
Classification: Uncertain significance. Last evaluated: 2023-11-24. Review status: criteria provided, single submitter. Criteria: Quest Diagnostics criteria. Collection method: clinical testing. Allele origin: unknown.
Comment: The PALB2 c.731G>A (p.Arg244Lys) variant has not been reported in individuals with PALB2-related conditions in the published literature. It also has not been reported in large, multi-ethnic general populations (Genome Aggregation Database). Analysis of this variant using bioinformatics tools for the prediction of the effect of amino acid changes on protein structure and function yielded predictions that this variant is benign. Based on the available information, we are unable to determine the clinical significance of this variant.

NM_024675.4(PALB2):c.731G>A (p.Arg244Lys)

Gene: PALB2 (partner and localizer of BRCA2; minus strand). Cytogenetic location: 16p12.2.
Variant type: single nucleotide variant.
Coding change: c.731G>A on transcript NM_024675.4 (MANE Select); coding-DNA position 731, G replaced by A.
Protein change: p.Arg244Lys; replaces arginine 244 with lysine.
Molecular consequence: missense variant. On other transcripts: 5 prime UTR variant (8), intron variant (3).
Genome position (GRCh38, 1-based): chr16:23,635,815, C>T on the plus strand (G>A on the coding strand, the complement: PALB2 is on the minus strand). VCF-style: chr16-23635815-C-T. GRCh37 (hg19) VCF-style: chr16-23647136-C-T.
Other names: c.671G>A, p.Arg224Lys (NM_001407296.1); c.731G>A, p.Arg244Lys (NM_001407297.1, NM_001407298.1, NM_001407299.1 and 3 more transcripts); c.-155G>A (NM_001407304.1, NM_001407305.1, NM_001407306.1 and 5 more transcripts); c.48+5295G>A (NM_001407314.1); c.-105+5295G>A (NM_001407313.1, NM_001407312.1); short protein forms R244K, R224K.
Identifiers: ClinVar variation 2828293 (VCV002828293.5), dbSNP rs764553978, ClinGen allele CA395136263.